The following is an entry in ClinVar:

NM_013448.3(BAZ1A):c.2973C>T (p.Tyr991=)

Gene: BAZ1A (bromodomain adjacent to zinc finger domain 1A; minus strand). Cytogenetic location: 14q13.1.
Variant type: single nucleotide variant.
Coding change: c.2973C>T on transcript NM_013448.3 (MANE Select); coding-DNA position 2973, C replaced by T.
Protein change: p.Tyr991=; no amino-acid change (tyrosine 991 retained).
Molecular consequence: synonymous variant.
Genome position (GRCh38, 1-based): chr14:34,774,351, G>A on the plus strand (C>T on the coding strand, the complement: BAZ1A is on the minus strand). VCF-style: chr14-34774351-G-A. GRCh37 (hg19) VCF-style: chr14-35243557-G-A.
Other names: c.2877C>T, p.Tyr959= (NM_182648.2).
Identifiers: ClinVar variation 2644161 (VCV002644161.24), dbSNP rs112490518, ClinGen allele CA7152790.

ClinVar aggregate classification (germline): Likely benign (1 of 4 stars; one submission).

Allele frequency attached by ClinVar (database versions not stated): 1000 Genomes Project 30x 0.00250; 1000 Genomes Project 0.00280; TOPMed 0.00359; ESP Exome Variant Server 0.00377; gnomAD exomes 0.00432; ExAC 0.00434; gnomAD 0.00469.
gnomAD v4.1: 7,029 of 1,612,568 alleles (0.44%); highest among the groups gnomAD compares: Non-Finnish European, 0.42%; 28 homozygotes.

Submission:

CeGaT Center for Human Genetics Tuebingen
Classification: Likely benign. Last evaluated: 2022-11-01. Review status: criteria provided, single submitter. Criteria: CeGaT Center For Human Genetics Tuebingen Variant Classification Criteria Version 2. Collection method: clinical testing. Allele origin: germline. Affected: yes. Observed: 1 variant allele.
Comment: BAZ1A: BP4, BP7, BS2